The following is an entry in ClinVar:

ClinVar aggregate classification (germline): Uncertain significance (0 of 4 stars; one submission).

Conditions:
Familial cardiomyopathy. Identifiers: MedGen C0264789, MONDO:0005217.

Submission:

Evolutionary and Medical Genetics Laboratory,  Centre for Cellular and Molecular Biology
Classification: Uncertain significance. Review status: no assertion criteria provided. Collection method: not provided. Allele origin: unknown.
Comment: Synonymous
ClinVar note: Converted during submission from unknown to Uncertain significance.

NM_000257.4(MYH7):c.1830G>A (p.Gln610=)

Gene: MYH7 (myosin heavy chain 7; minus strand). Cytogenetic location: 14q11.2.
Variant type: single nucleotide variant.
Coding change: c.1830G>A on transcript NM_000257.4 (MANE Select); coding-DNA position 1830, G replaced by A.
Protein change: p.Gln610=; no amino-acid change (glutamine 610 retained).
Molecular consequence: synonymous variant.
Genome position (GRCh38, 1-based): chr14:23,427,643, C>T on the plus strand (G>A on the coding strand, the complement: MYH7 is on the minus strand). VCF-style: chr14-23427643-C-T. GRCh37 (hg19) VCF-style: chr14-23896852-C-T.
Other names: Q610Q.
Identifiers: ClinVar variation 132923 (VCV000132923.2), dbSNP rs606231326, ClinGen allele CA011328.